The following is an entry in ClinVar:

ClinVar aggregate classification (germline): Uncertain significance. Review status: criteria provided, multiple submitters, no conflicts (2 of 4 stars). 2 submissions from 2 submitters: Uncertain significance (2). Last evaluated 2022-03-25.

Conditions:
Inborn genetic diseases. Identifiers: MedGen C0950123, MeSH D030342.

Allele frequency attached by ClinVar (database versions not stated): gnomAD 0.00001.
gnomAD v4.1: 53 of 1,605,776 alleles (0.0033%); highest among the groups gnomAD compares: East Asian, 0.069%; no homozygotes.

Submissions (2):

Ambry Genetics
Classification: Uncertain significance for Inborn genetic diseases. Last evaluated: 2022-03-25. Review status: criteria provided, single submitter. Criteria: Ambry Variant Classification Scheme 2023. Collection method: clinical testing. Allele origin: germline.

Labcorp Genetics (formerly Invitae), Labcorp
Classification: Uncertain significance. Last evaluated: 2022-02-28. Review status: criteria provided, single submitter. Criteria: Invitae Variant Classification Sherloc (09022015). Collection method: clinical testing. Allele origin: germline.
Comment: This sequence change replaces cysteine, which is neutral and slightly polar, with tyrosine, which is neutral and polar, at codon 949 of the HPS3 protein (p.Cys949Tyr). This variant is present in population databases (rs778588670, gnomAD 0.005%). This variant has not been reported in the literature in individuals affected with HPS3-related conditions. Algorithms developed to predict the effect of missense changes on protein structure and function (SIFT, PolyPhen-2, Align-GVGD) all suggest that this variant is likely to be tolerated. In summary, the available evidence is currently insufficient to determine the role of this variant in disease. Therefore, it has been classified as a Variant of Uncertain Significance.

NM_032383.5(HPS3):c.2846G>A (p.Cys949Tyr)

Genes: CP (ceruloplasmin; minus strand), HPS3 (HPS3 biogenesis of lysosomal organelles complex 2 subunit 1; plus strand). Cytogenetic location: 3q24.
Variant type: single nucleotide variant.
Coding change: c.2846G>A on transcript NM_032383.5 (MANE Select); coding-DNA position 2846, G replaced by A.
Protein change: p.Cys949Tyr; replaces cysteine 949 with tyrosine.
Molecular consequence: missense variant.
Genome position (GRCh38, 1-based): chr3:149,167,942, G>A. VCF-style: chr3-149167942-G-A. GRCh37 (hg19) VCF-style: chr3-148885729-G-A.
Other names: c.2351G>A, p.Cys784Tyr (NM_001308258.2); c.2846G>A (NM_032383.3); short protein forms C949Y, C784Y.
Identifiers: ClinVar variation 2181737 (VCV002181737.2), dbSNP rs778588670, ClinGen allele CA85518584.